The following is an entry in ClinVar:

NM_001013838.3(CARMIL2):c.1894del (p.Ala632fs)

Gene: CARMIL2 (capping protein regulator and myosin 1 linker 2; plus strand). Cytogenetic location: 16q22.1.
Variant type: Deletion.
Coding change: c.1894del on transcript NM_001013838.3 (MANE Select); coding-DNA position 1894, one base deleted (G; older notation c.1894delG).
Protein change: p.Ala632fs; shifts the reading frame from alanine 632.
Molecular consequence: frameshift variant.
Genome position (GRCh38, 1-based): chr16:67,649,594, G deleted; the last of 2 consecutive G bases (chr16:67,649,593-67,649,594); deleting either gives the same sequence. VCF-style (leftmost placement, unchanged base first): chr16-67649592-AG-A. GRCh37 (hg19) VCF-style: chr16-67683495-AG-A.
Other names: c.1786del, p.Ala596fs (NM_001317026.3); short protein forms A596fs, A632fs.
Identifiers: ClinVar variation 2036608 (VCV002036608.4), dbSNP rs2543554272, ClinGen allele CA2580091798.

ClinVar aggregate classification (germline): Pathogenic (1 of 4 stars; one submission).

Submission:

Labcorp Genetics (formerly Invitae), Labcorp
Classification: Pathogenic. Last evaluated: 2022-10-23. Review status: criteria provided, single submitter. Criteria: Invitae Variant Classification Sherloc (09022015). Collection method: clinical testing. Allele origin: germline.
Comment: For these reasons, this variant has been classified as Pathogenic. This sequence change creates a premature translational stop signal (p.Ala632Argfs*36) in the CARMIL2 gene. It is expected to result in an absent or disrupted protein product. Loss-of-function variants in CARMIL2 are known to be pathogenic (PMID: 27647349, 28112205). This variant is not present in population databases (gnomAD no frequency). This variant has not been reported in the literature in individuals affected with CARMIL2-related conditions.

Literature cited by the submitters: PubMed 27647349; PubMed 28112205.